The following is an entry in ClinVar:

ClinVar aggregate classification (germline): Conflicting classifications of pathogenicity. Review status: criteria provided, conflicting classifications (1 of 4 stars). 5 submissions from 5 submitters: Pathogenic (1); Uncertain significance (3). 1 of the submissions does not count toward it. Last evaluated 2025-03-20.

Conditions:
Autosomal recessive nonsyndromic hearing loss 9. Also called: Deafness, autosomal recessive 9; NEUROSENSORY NONSYNDROMIC RECESSIVE DEAFNESS 9; AUDITORY NEUROPATHY, AUTOSOMAL RECESSIVE, 1, TEMPERATURE-SENSITIVE; OTOF-Related Hearing Loss. Identifiers: Orphanet 90636, MedGen C1832828, MONDO:0010986, OMIM 601071.

Allele frequency attached by ClinVar (database versions not stated): gnomAD exomes 0.00001 and 0.00006; gnomAD 0.00003; ExAC 0.00005; TOPMed 0.00006.
gnomAD v4.1: 10 of 1,613,700 alleles (0.00062%); highest among the groups gnomAD compares: East Asian, 0.022%; no homozygotes.

Submissions (5):

GeneDx
Classification: Uncertain significance. Last evaluated: 2025-03-20. Review status: criteria provided, single submitter. Criteria: GeneDx Variant Classification Process June 2021. Collection method: clinical testing. Allele origin: germline. Affected: yes.
Comment: In silico analysis supports that this missense variant does not alter protein structure/function; Has not been previously published as pathogenic or benign to our knowledge

Institute of Rare Diseases, West China Hospital, Sichuan University
Classification: Pathogenic for Autosomal recessive nonsyndromic hearing loss 9. Last evaluated: 2025-01-09. Review status: criteria provided, single submitter. Criteria: ClinGen HL ACMG Specifications v1. Collection method: research. Allele origin: germline. Affected: yes.
Comment: PM3_VeryStrong;PP1;PP4

Blueprint Genetics
Classification: Uncertain significance. Last evaluated: 2023-09-19. Review status: criteria provided, single submitter. Criteria: ACMG Guidelines, 2015. Collection method: clinical testing. Allele origin: germline.

Laboratory for Molecular Medicine, Mass General Brigham Personalized Medicine
Classification: Uncertain significance. Last evaluated: 2017-06-20. Review status: criteria provided, single submitter. Criteria: LMM Criteria. Collection method: clinical testing. Allele origin: germline. Observed: 1 variant allele.
Comment: The p.Lys1225Arg variant in OTOF has not been previously reported in individuals with hearing loss, but has been identified in 16/18870 East Asian chromosomes b y the Genome Aggregation Database (gnomAD; dbS NP rs750669994). Although this variant has been seen in the general population, its frequency is not high enough to rule out a pathogenic role. Computational pr ediction tools and conservation analysis do not provide strong support for or ag ainst an impact to the protein. This variant occurs in an alternatively spliced exon of OTOF, which has been shown to be expressed in the human inner ear (Choi 2009). In summary, the clinical significance of the p.Lys1225Arg variant is unce rtain.

Diagnosis and Treatment Center of Genetic Hearing Loss, Eye & ENT Hospital of Fudan University
Classification: Pathogenic for Autosomal recessive nonsyndromic hearing loss 9. Last evaluated: 2026-02-04. Review status: no assertion criteria provided. Collection method: clinical testing, in vivo. Allele origin: germline, not applicable. Inheritance: Autosomal recessive inheritance. Affected: yes. Clinical features observed: hearing loss. Functional consequence: Overall loss-of-function. Not counted in ClinVar's aggregate classification.
Comment: The c.5975A>G variant in OTOF was reclassified as Pathogenic based on PS3_Moderate (rescue experiments using an AAV‑hOTOF system demonstrated a deleterious effect), PM3_VeryStrong (detected in trans with a pathogenic variant in >4 probands), PP4 (the affected individuals exhibited features of auditory neuropathy spectrum disorder), and PP1 (segregation in affected relatives). Auditory neuropathy patients carrying E1700Q in our cohort harbor the K1992R variant in cis. We found that the K1992R variant disrupts otoferlin intracellular distribution and localization.

Literature cited by the submitters: PubMed 19250381 (cited by Laboratory for Molecular Medicine, Mass General Brigham Personalized Medicine).

NM_194323.3(OTOF):c.3674A>G (p.Lys1225Arg)

Gene: OTOF (otoferlin; minus strand). Cytogenetic location: 2p23.3.
Variant type: single nucleotide variant.
Coding change: c.3674A>G on transcript NM_194323.3 (MANE Plus Clinical); coding-DNA position 3674, A replaced by G.
Protein change: p.Lys1225Arg; replaces lysine 1225 with arginine.
Molecular consequence: missense variant. On other transcripts: 3 prime UTR variant (3).
Genome position (GRCh38, 1-based): chr2:26,458,059, T>C on the plus strand (A>G on the coding strand, the complement: OTOF is on the minus strand). VCF-style: chr2-26458059-T-C. GRCh37 (hg19) VCF-style: chr2-26680927-T-C.
Other names: c.5975A>G, p.Lys1992Arg (NM_001287489.2); c.*179A>G (NM_004802.4, NM_194248.3, NM_194322.3); short protein forms K1225R, K1992R.
Identifiers: ClinVar variation 517409 (VCV000517409.14), dbSNP rs750669994, ClinGen allele CA1562615.